The following is an entry in ClinVar:

NM_153252.5(BRWD3):c.2062A>T (p.Met688Leu)

Gene: BRWD3 (bromodomain and WD repeat domain containing 3; minus strand). Cytogenetic location: Xq21.1.
Variant type: single nucleotide variant.
Coding change: c.2062A>T on transcript NM_153252.5 (MANE Select); coding-DNA position 2062, A replaced by T.
Protein change: p.Met688Leu; replaces methionine 688 with leucine.
Molecular consequence: missense variant.
Genome position (GRCh38, 1-based): chrX:80,717,742, T>A on the plus strand (A>T on the coding strand, the complement: BRWD3 is on the minus strand). VCF-style: chrX-80717742-T-A. GRCh37 (hg19) VCF-style: chrX-79973241-T-A.
Other names: short protein forms M688L.
Identifiers: ClinVar variation 2504174 (VCV002504174.2), dbSNP rs2520312208, ClinGen allele CA413633654.
Genomic context (GRCh38, chrX:80,717,742, plus strand): 5'-CACCTTCAATTTGACTACTATGTCTTCGAAGCCTGATGTTTGGGGAAGAAGATATGTCCA[T>A]GTTTGGACTTCTCAGAGCTAAAACAAAAACAAGGAAAATTATCACTTTGTGAGCAAAGGC-3'
Protein context (NP_694984.5, residues 678-698): SVNGALRSPN[Met688Leu]DISSSPNIRL

ClinVar aggregate classification (germline): Uncertain significance. Review status: criteria provided, multiple submitters, no conflicts (2 of 4 stars). 2 submissions from 2 submitters: Uncertain significance (2). Last evaluated 2026-02-10.

Conditions:
Intellectual developmental disorder, X-linked 93. Also called: MENTAL RETARDATION, X-LINKED, WITH MACROCEPHALY; Intellectual disability, X-linked 93. Identifiers: MedGen C1970841, MONDO:0010393, OMIM 300659.

Submissions (2):

Victorian Clinical Genetics Services, Murdoch Childrens Research Institute
Classification: Uncertain significance for Intellectual developmental disorder, X-linked 93. Last evaluated: 2026-02-10. Review status: criteria provided, single submitter. Criteria: ACMG Guidelines, 2015. Collection method: clinical testing. Allele origin: germline. Affected: yes.
Comment: This variant is classified as VUS-3C. Evidence in support of pathogenic classification: Variant is absent from gnomAD (v2, v3 and v4). Evidence in support of benign classification: Missense variant predicted to be tolerated by in silico tool(s) or not conserved in placental mammals with a minor amino acid change. Additional information: Variant is predicted to result in a missense amino acid change from Met to Leu; This variant is hemizygous; This gene is associated with X-linked recessive disease. Affected heterozygous females have been reported (PMIDs:17668385, 36514184, 36414205); Alternative amino acid change(s) at the same position are present in gnomAD (highest allele count: v4: 3 heterozygote(s), 0 homozygote(s), 4 hemizygote(s)); Previous evidence of pathogenicity for this variant is inconclusive. This variant has been classified once as a VUS by a clinical laboratory (ClinVar); No published evidence of segregation with disease has been identified for this variant; No published functional evidence has been identified for this variant; No comparable missense variants have previous evidence for pathogenicity; Variant is not located in an established domain, motif, hotspot or informative constraint region; Loss of function is a known mechanism of disease in this gene and is associated with intellectual developmental disorder, X-linked 93 (MIM#300659).

GeneDx
Classification: Uncertain significance. Last evaluated: 2023-06-01. Review status: criteria provided, single submitter. Criteria: GeneDx Variant Classification Process June 2021. Collection method: clinical testing. Allele origin: germline. Affected: yes.
Comment: Not observed at significant frequency in large population cohorts (gnomAD); In silico analysis supports that this missense variant does not alter protein structure/function; Has not been previously published as pathogenic or benign to our knowledge

Literature cited by the submitters: PubMed 17668385 (cited by Victorian Clinical Genetics Services, Murdoch Childrens Research Institute); PubMed 36514184 (cited by Victorian Clinical Genetics Services, Murdoch Childrens Research Institute); PubMed 36414205 (cited by Victorian Clinical Genetics Services, Murdoch Childrens Research Institute).